The following is an entry in ClinVar:

ClinVar aggregate classification (germline): Likely benign. Review status: criteria provided, multiple submitters, no conflicts (2 of 4 stars). 7 submissions from 7 submitters: Likely benign (7). Last evaluated 2026-06-26.

Conditions:
Cardiovascular phenotype. Identifiers: MedGen CN230736.
Cardiomyopathy (CMYO). Also called: Cardiomyopathies. Identifiers: Orphanet 167848, MedGen C0878544, MONDO:0004994, HP:0001638. Inheritance: Various modes of inheritance.
Hypertrophic cardiomyopathy. Also called: HYPERTROPHIC MYOCARDIOPATHY. Identifiers: Orphanet 217569, MedGen C0007194, MeSH D002312, MONDO:0005045, HP:0001639.

Allele frequency attached by ClinVar (database versions not stated): gnomAD 0.00001 and 0.00002; gnomAD exomes 0.00001 and 0.00002; ExAC 0.00002; TOPMed 0.00002; 1000 Genomes Project 30x 0.00016; 1000 Genomes Project 0.00020.
gnomAD v4.1: 30 of 1,614,168 alleles (0.0019%); highest among the groups gnomAD compares: East Asian, 0.0089%; no homozygotes.

Submissions (7):

Women's Health and Genetics/Laboratory Corporation of America, LabCorp
Classification: Likely benign. Last evaluated: 2026-06-26. Review status: criteria provided, single submitter. Criteria: LabCorp Variant Classification Summary - May 2015. Collection method: clinical testing. Allele origin: germline.

Labcorp Genetics (formerly Invitae), Labcorp
Classification: Likely benign for Hypertrophic cardiomyopathy. Last evaluated: 2024-10-29. Review status: criteria provided, single submitter. Criteria: Invitae Variant Classification Sherloc (09022015). Collection method: clinical testing. Allele origin: germline.

All of Us Research Program, National Institutes of Health
Classification: Likely benign for Cardiomyopathy. Last evaluated: 2023-09-17. Review status: criteria provided, single submitter. Criteria: ACMG Guidelines, 2015. Collection method: clinical testing. Allele origin: germline. Inheritance: Autosomal dominant inheritance. Observed: 4 variant alleles, 4 heterozygotes.
Comment: This study involves interpretation of variants in research participants for the purpose of population health screening. Participant phenotype was not available at the time of variant classification. Additional details can be found in publication PMID: 35346344, PMCID: PMC8962531

Ambry Genetics
Classification: Likely benign for Cardiovascular phenotype. Last evaluated: 2022-07-06. Review status: criteria provided, single submitter. Criteria: Ambry Variant Classification Scheme 2023. Collection method: clinical testing. Allele origin: germline.

Blueprint Genetics
Classification: Likely benign. Last evaluated: 2022-04-27. Review status: criteria provided, single submitter. Criteria: ACMG Guidelines, 2015. Collection method: clinical testing. Allele origin: germline.

GeneDx
Classification: Likely benign. Last evaluated: 2020-01-08. Review status: criteria provided, single submitter. Criteria: GeneDx Variant Classification Process June 2021. Collection method: clinical testing. Allele origin: germline. Affected: yes.

Color Diagnostics, LLC DBA Color Health
Classification: Likely benign for Cardiomyopathy. Last evaluated: 2018-11-03. Review status: criteria provided, single submitter. Criteria: ACMG Guidelines, 2015. Collection method: clinical testing. Allele origin: germline.

NM_000257.4(MYH7):c.1404C>T (p.Phe468=)

Gene: MYH7 (myosin heavy chain 7; minus strand). Cytogenetic location: 14q11.2.
Variant type: single nucleotide variant.
Coding change: c.1404C>T on transcript NM_000257.4 (MANE Select); coding-DNA position 1404, C replaced by T.
Protein change: p.Phe468=; no amino-acid change (phenylalanine 468 retained).
Molecular consequence: synonymous variant.
Genome position (GRCh38, 1-based): chr14:23,428,958, G>A on the plus strand (C>T on the coding strand, the complement: MYH7 is on the minus strand). VCF-style: chr14-23428958-G-A. GRCh37 (hg19) VCF-style: chr14-23898167-G-A.
Other names: c.1404C>T (LRG_384t1).
Identifiers: ClinVar variation 510607 (VCV000510607.21), dbSNP rs140218676, ClinGen allele CA028331.